The following is an entry in ClinVar:

NM_001365276.2(TNXB):c.12352A>T (p.Met4118Leu)

Genes: CYP21A2 (cytochrome P450 family 21 subfamily A member 2; plus strand), TNXB (tenascin XB; minus strand), LOC106780803 (tenascin XB recombination region; plus strand). Cytogenetic location: 6p21.33.
Variant type: single nucleotide variant.
Coding change: c.12352A>T on transcript NM_001365276.2 (MANE Select); coding-DNA position 12352, A replaced by T.
Protein change: p.Met4118Leu; replaces methionine 4118 with leucine.
Molecular consequence: missense variant.
Genome position (GRCh38, 1-based): chr6:32,042,129, T>A on the plus strand (A>T on the coding strand, the complement: TNXB is on the minus strand). VCF-style: chr6-32042129-T-A. GRCh37 (hg19) VCF-style: chr6-32009906-T-A.
Other names: c.12346A>T, p.Met4116Leu (NM_019105.8); c.1639A>T, p.Met547Leu (NM_032470.4); short protein forms M4116L, M4118L, M547L.
Identifiers: ClinVar variation 1211154 (VCV001211154.6), dbSNP rs766874405, ClinGen allele CA3732798.
Genomic context (GRCh38, chr6:32,042,129, plus strand): 5'-CGTGGAAGGAGTCGTACTGGGCGAACACAGCCTCGTCCCCAGCCCGCAGGTCCACGCGCA[T>A]GGAGTAGTCACCTGCCTGTGTCAGGCTGTGCAGGGCCTCATTGCCTGGGGGTGGGATACG-3'
Protein context (NP_001352205.1, residues 4108-4128): HSLTQAGDYS[Met4118Leu]RVDLRAGDEA

ClinVar aggregate classification (germline): Uncertain significance. Review status: criteria provided, multiple submitters, no conflicts (2 of 4 stars). 2 submissions from 2 submitters: Uncertain significance (2). Last evaluated 2020-04-01.

Conditions:
Ehlers-Danlos syndrome (EDS). Identifiers: Orphanet 98249, MedGen C0013720, MONDO:0020066.

Allele frequency attached by ClinVar (database versions not stated): gnomAD exomes 0.00006 and 0.00013; gnomAD 0.00039 and 0.00047; ExAC 0.00097.
gnomAD v4.1: 65 of 617,544 alleles (0.011%); highest among the groups gnomAD compares: African/African-American, 0.16%; no homozygotes.

Submissions (2):

Genome Diagnostics Laboratory, The Hospital for Sick Children
Classification: Uncertain significance for Ehlers-Danlos syndrome. Last evaluated: 2020-04-01. Review status: criteria provided, single submitter. Criteria: ACMG Guidelines, 2015. Collection method: clinical testing. Allele origin: germline.

GeneDx
Classification: Uncertain significance. Last evaluated: 2019-07-24. Review status: criteria provided, single submitter. Criteria: GeneDx Variant Classification Process June 2021. Collection method: clinical testing. Allele origin: germline. Affected: yes.
Comment: In silico analysis, which includes protein predictors and evolutionary conservation, supports that this variant does not alter protein structure/function; Has not been previously published as pathogenic or benign to our knowledge